The following is an entry in ClinVar:

NM_000733.4(CD3E):c.353-11A>T

Gene: CD3E (CD3 epsilon subunit of T-cell receptor complex; plus strand). Cytogenetic location: 11q23.3.
Variant type: single nucleotide variant.
Coding change: c.353-11A>T on transcript NM_000733.4 (MANE Select); 11 bases into the intron before coding-DNA position 353, A replaced by T.
Molecular consequence: intron variant.
Genome position (GRCh38, 1-based): chr11:118,313,696, A>T. VCF-style: chr11-118313696-A-T. GRCh37 (hg19) VCF-style: chr11-118184411-A-T.
Identifiers: ClinVar variation 877841 (VCV000877841.15), dbSNP rs199933802, ClinGen allele CA6301696.

ClinVar aggregate classification (germline): Benign/Likely benign. Review status: criteria provided, multiple submitters, no conflicts (2 of 4 stars). 4 submissions from 4 submitters: Benign (2); Likely benign (2). Last evaluated 2026-01-28.

Conditions:
Immunodeficiency 18 (IMD18). Also called: CD3-EPSILON DEFICIENCY; CD3epsilon deficiency. Identifiers: MedGen C3810127, MONDO:0014278, OMIM 615615.

Allele frequency attached by ClinVar (database versions not stated): gnomAD 0.00001 and 0.00040; TOPMed 0.00006; gnomAD exomes 0.00110; ExAC 0.00120; 1000 Genomes Project 30x 0.00281; 1000 Genomes Project 0.00300.
gnomAD v4.1: 835 of 1,609,822 alleles (0.052%); highest among the groups gnomAD compares: South Asian, 0.86%; 10 homozygotes.

Submissions (4):

Labcorp Genetics (formerly Invitae), Labcorp
Classification: Benign for Immunodeficiency 18. Last evaluated: 2026-01-28. Review status: criteria provided, single submitter. Criteria: Invitae Variant Classification Sherloc (09022015). Collection method: clinical testing. Allele origin: germline.

Blueprint Genetics
Classification: Likely benign. Last evaluated: 2024-11-06. Review status: criteria provided, single submitter. Criteria: ACMG Guidelines, 2015. Collection method: clinical testing. Allele origin: germline.

Illumina Laboratory Services, Illumina
Classification: Likely benign for Immunodeficiency 18. Last evaluated: 2018-01-12. Review status: criteria provided, single submitter. Criteria: ICSL Variant Classification Criteria 13 December 2019. Collection method: clinical testing. Allele origin: germline.
Comment: This variant was observed in the ICSL laboratory as part of a predisposition screen in an ostensibly healthy population. It had not been previously curated by ICSL or reported in the Human Gene Mutation Database (HGMD: prior to June 1st, 2018), and was therefore a candidate for classification through an automated scoring system. Utilizing variant allele frequency, disease prevalence and penetrance estimates, and inheritance mode, an automated score was calculated to assess if this variant is too frequent to cause the disease. Based on the score and internal cut-off values, a variant classified as likely benign is not then subjected to further curation. The score for this variant resulted in a classification of likely benign for this disease.

GeneDx
Classification: Benign. Last evaluated: 2015-03-03. Review status: criteria provided, single submitter. Criteria: GeneDx Variant Classification Process June 2021. Collection method: clinical testing. Allele origin: germline. Affected: yes.